The following is an entry in ClinVar:

ClinVar aggregate classification (germline): Conflicting classifications of pathogenicity. Review status: criteria provided, conflicting classifications (1 of 4 stars). 7 submissions from 7 submitters: Uncertain significance (2); Likely benign (5). Last evaluated 2026-01-19.

Conditions:
Inborn genetic diseases. Identifiers: MedGen C0950123, MeSH D030342.
Congenital myasthenic syndrome 8. Also called: MYASTHENIC SYNDROME, CONGENITAL, DUE TO AGRIN DEFICIENCY; Myasthenic syndrome, congenital, 8, with pre- and postsynaptic defects. Identifiers: Orphanet 590, MedGen C3808739, MONDO:0014052, OMIM 615120.

Allele frequency attached by ClinVar (database versions not stated): gnomAD exomes 0.00026 and 0.00057; ExAC 0.00084; gnomAD 0.00214 and 0.00216; ESP Exome Variant Server 0.00216; TOPMed 0.00221; 1000 Genomes Project 0.00439; 1000 Genomes Project 30x 0.00484.
gnomAD v4.1: 724 of 1,605,312 alleles (0.045%); highest among the groups gnomAD compares: African/African-American, 0.73%; 4 homozygotes.

Submissions (7):

Labcorp Genetics (formerly Invitae), Labcorp
Classification: Likely benign for Congenital myasthenic syndrome 8. Last evaluated: 2026-01-19. Review status: criteria provided, single submitter. Criteria: Invitae Variant Classification Sherloc (09022015). Collection method: clinical testing. Allele origin: germline.

CeGaT Center for Human Genetics Tuebingen
Classification: Likely benign. Last evaluated: 2025-11-01. Review status: criteria provided, single submitter. Criteria: CeGaT Center For Human Genetics Tuebingen Variant Classification Criteria Version 2. Collection method: clinical testing. Allele origin: germline. Affected: yes. Observed: 1 variant allele.
Comment: AGRN: BP4, BS2

Ambry Genetics
Classification: Uncertain significance for Inborn genetic diseases. Last evaluated: 2025-08-19. Review status: criteria provided, single submitter. Criteria: Ambry Variant Classification Scheme 2023. Collection method: clinical testing. Allele origin: germline.

Blueprint Genetics
Classification: Likely benign. Last evaluated: 2024-09-12. Review status: criteria provided, single submitter. Criteria: ACMG Guidelines, 2015. Collection method: clinical testing. Allele origin: germline.

Genetics and Molecular Pathology, SA Pathology
Classification: Uncertain significance for Congenital myasthenic syndrome 8. Last evaluated: 2021-05-06. Review status: criteria provided, single submitter. Criteria: ACMG Guidelines, 2015. Collection method: clinical testing. Allele origin: germline. Inheritance: Autosomal recessive inheritance. Affected: yes.

GeneDx
Classification: Likely benign. Last evaluated: 2018-01-12. Review status: criteria provided, single submitter. Criteria: GeneDx Variant Classification (06012015). Collection method: clinical testing. Allele origin: germline. Affected: yes.
Comment: This variant is considered likely benign or benign based on one or more of the following criteria: it is a conservative change, it occurs at a poorly conserved position in the protein, it is predicted to be benign by multiple in silico algorithms, and/or has population frequency not consistent with disease.

PreventionGenetics, part of Exact Sciences
Classification: Likely benign. Review status: criteria provided, single submitter. Criteria: ACMG Guidelines, 2015. Collection method: clinical testing. Allele origin: germline.

NM_198576.4(AGRN):c.1394C>T (p.Pro465Leu)

Gene: AGRN (agrin; plus strand). Cytogenetic location: 1p36.33.
Variant type: single nucleotide variant.
Coding change: c.1394C>T on transcript NM_198576.4 (MANE Select); coding-DNA position 1394, C replaced by T.
Protein change: p.Pro465Leu; replaces proline 465 with leucine.
Molecular consequence: missense variant.
Genome position (GRCh38, 1-based): chr1:1,043,248, C>T. VCF-style: chr1-1043248-C-T. GRCh37 (hg19) VCF-style: chr1-978628-C-T.
Other names: c.1394C>T, p.Pro465Leu (NM_001305275.2); c.1079C>T, p.Pro360Leu (NM_001364727.2); short protein forms P465L, P360L.
Identifiers: ClinVar variation 263161 (VCV000263161.22), dbSNP rs116586548, ClinGen allele CA508170.
Genomic context (GRCh38, chr1:1,043,248, plus strand): 5'-TGCAGCGGAGGGGGGGCTTGTGGGACCACTGAGCCCCTGTGTCCTTCCCAGACCAGGCCC[C>T]GTCCCCATGCCTCGGGGTGCAGTGTGCATTTGGGGCGACGTGTGCTGTGAAGAACGGGCA-3'
Protein context (NP_940978.2, residues 455-475): SKHQGPCDQA[Pro465Leu]SPCLGVQCAF